The following is an entry in ClinVar:

ClinVar aggregate classification (germline): Conflicting classifications of pathogenicity. Review status: criteria provided, conflicting classifications (1 of 4 stars). 10 submissions from 10 submitters: Uncertain significance (8); Benign (1); Likely benign (1). Last evaluated 2025-11-13.

Conditions:
Hereditary cancer-predisposing syndrome. Also called: Tumor predisposition; Hereditary Cancer Syndrome; Neoplastic Syndromes, Hereditary; Hereditary neoplastic syndrome. Identifiers: Orphanet 140162, MedGen C0027672, MeSH D009386, MONDO:0015356.
BRCA2-related cancer predisposition. Identifiers: MedGen CN377758, MONDO:0700269.
Hereditary breast ovarian cancer syndrome. Also called: Hereditary breast and ovarian cancer; Breast and ovarian cancer; Hereditary breast and/or ovarian cancer syndrome; BRCA1- and BRCA2-Associated Hereditary Breast and Ovarian Cancer; Hereditary breast and ovarian cancer syndrome; Hereditary breast and ovarian cancer syndrome (HBOC). Identifiers: Orphanet 145, MedGen C0677776, MeSH D061325, MONDO:0003582. Disease mechanism: loss of function.
Breast-ovarian cancer, familial, susceptibility to, 2 (BROVCA2). Also called: BRCA2 Hereditary Breast and Ovarian Cancer. Identifiers: Orphanet 145, MedGen C2675520, MONDO:0012933, OMIM 612555. Disease mechanism: loss of function.

Allele frequency attached by ClinVar (database versions not stated): gnomAD exomes below 0.00001 and 0.00001; ExAC 0.00001; gnomAD 0.00001; 1000 Genomes Project 30x 0.00016; 1000 Genomes Project 0.00020.
gnomAD v4.1: 4 of 1,596,568 alleles (0.00025%); highest among the groups gnomAD compares: South Asian, 0.0012%; no homozygotes.

Submissions (10):

Labcorp Genetics (formerly Invitae), Labcorp
Classification: Uncertain significance for Hereditary breast ovarian cancer syndrome. Last evaluated: 2025-11-13. Review status: criteria provided, single submitter. Criteria: Invitae Variant Classification Sherloc (09022015). Collection method: clinical testing. Allele origin: germline.
Comment: This sequence change replaces histidine, which is basic and polar, with glutamine, which is neutral and polar, at codon 334 of the BRCA2 protein (p.His334Gln). This variant is present in population databases (rs544942885, gnomAD 0.004%). This variant has not been reported in the literature in individuals affected with BRCA2-related conditions. ClinVar contains an entry for this variant (Variation ID: 252405). Invitae Evidence Modeling of protein sequence and biophysical properties (such as structural, functional, and spatial information, amino acid conservation, physicochemical variation, residue mobility, and thermodynamic stability) indicates that this missense variant is not expected to disrupt BRCA2 protein function with a negative predictive value of 95%. In summary, the available evidence is currently insufficient to determine the role of this variant in disease. Therefore, it has been classified as a Variant of Uncertain Significance.

Myriad Genetics, Inc.
Classification: Benign for Breast-ovarian cancer, familial, susceptibility to, 2. Last evaluated: 2025-07-30. Review status: criteria provided, single submitter. Criteria: Myriad Autosomal Dominant, Autosomal Recessive and X-Linked Classification Criteria (2023). Collection method: clinical testing. Allele origin: unknown.
Comment: This variant is considered benign. This variant is strongly associated with less severe personal and family histories of cancer, typical for individuals without pathogenic variants in this gene [PMID: 25085752]. This variant has been observed in trans with a known pathogenic variant in one or more individuals lacking clinical features consistent with gene-specific recessive disease.

GeneDx
Classification: Uncertain significance. Last evaluated: 2024-12-17. Review status: criteria provided, single submitter. Criteria: GeneDx Variant Classification Process June 2021. Collection method: clinical testing. Allele origin: germline. Affected: yes.
Comment: Identified in individuals referred for multi-gene panel testing with personal or family history of cancer (PMID: 31853058); In silico analysis indicates that this missense variant does not alter protein structure/function; Not observed at significant frequency in large population cohorts (gnomAD); Also known as 1230T>G; This variant is associated with the following publications: (PMID: 25348012, 29884841, 32377563, 31853058)

All of Us Research Program, National Institutes of Health
Classification: Uncertain significance for BRCA2-related cancer predisposition. Last evaluated: 2024-08-06. Review status: criteria provided, single submitter. Criteria: ACMG Guidelines, 2015. Collection method: clinical testing. Allele origin: germline. Inheritance: Autosomal dominant inheritance. Observed: 2 variant alleles, 2 heterozygotes.
Comment: This missense variant replaces histidine with glutamine at codon 334 of the BRCA2 protein. Computational prediction suggests that this variant may not impact protein structure and function (internally defined REVEL score threshold <= 0.5, PMID: 27666373). To our knowledge, functional studies have not been reported for this variant. This variant has not been reported in individuals affected with hereditary cancer in the literature. This variant has been identified in 3/234176 chromosomes in the general population by the Genome Aggregation Database (gnomAD). The available evidence is insufficient to determine the role of this variant in disease conclusively. Therefore, this variant is classified as a Variant of Uncertain Significance.

This study involves interpretation of variants in research participants for the purpose of population health screening. Participant phenotype was not available at the time of variant classification. Additional details can be found in publication PMID: 35346344, PMCID: PMC8962531

Ambry Genetics
Classification: Uncertain significance for Hereditary cancer-predisposing syndrome. Last evaluated: 2024-01-27. Review status: criteria provided, single submitter. Criteria: Ambry Variant Classification Scheme 2023. Collection method: clinical testing. Allele origin: germline.
Comment: The p.H334Q variant (also known as c.1002T>G), located in coding exon 9 of the BRCA2 gene, results from a T to G substitution at nucleotide position 1002. The histidine at codon 334 is replaced by glutamine, an amino acid with highly similar properties. This amino acid position is poorly conserved in available vertebrate species. In addition, this alteration is predicted to be tolerated by in silico analysis. Since supporting evidence is limited at this time, the clinical significance of this alteration remains unclear.

Women's Health and Genetics/Laboratory Corporation of America, LabCorp
Classification: Uncertain significance. Last evaluated: 2024-01-22. Review status: criteria provided, single submitter. Criteria: LabCorp Variant Classification Summary - May 2015. Collection method: clinical testing. Allele origin: germline.
Comment: Variant summary: BRCA2 c.1002T>G (p.His334Gln) results in a non-conservative amino acid change in the encoded protein sequence. Four of five in-silico tools predict a benign effect of the variant on protein function. The variant allele was found at a frequency of 1.3e-05 in 234176 control chromosomes (gnomAD). The available data on variant occurrences in the general population are insufficient to allow any conclusion about variant significance. To our knowledge, no occurrence of c.1002T>G in individuals affected with Hereditary Breast And Ovarian Cancer Syndrome and no experimental evidence demonstrating its impact on protein function have been reported. Co-occurrences with other pathogenic variant(s) have been reported (BRCA1 c.4065_4068delTCAA, p.Asn1355fs; in an internal LCA sample), providing supporting evidence for a benign role. ClinVar contains an entry for this variant (Variation ID: 252405). Based on the evidence outlined above, the variant was classified as uncertain significance.

Color Diagnostics, LLC DBA Color Health
Classification: Uncertain significance for Hereditary cancer-predisposing syndrome. Last evaluated: 2023-05-15. Review status: criteria provided, single submitter. Criteria: ACMG Guidelines, 2015. Collection method: clinical testing. Allele origin: germline.
Comment: This missense variant replaces histidine with glutamine at codon 334 of the BRCA2 protein. Computational prediction suggests that this variant may not impact protein structure and function (internally defined REVEL score threshold <= 0.5, PMID: 27666373). To our knowledge, functional studies have not been reported for this variant. This variant has not been reported in individuals affected with hereditary cancer in the literature. This variant has been identified in 3/234176 chromosomes in the general population by the Genome Aggregation Database (gnomAD). The available evidence is insufficient to determine the role of this variant in disease conclusively. Therefore, this variant is classified as a Variant of Uncertain Significance.

University of Washington Department of Laboratory Medicine, University of Washington
Classification: Likely benign for Hereditary cancer-predisposing syndrome. Last evaluated: 2023-03-23. Review status: criteria provided, single submitter. Criteria: Dines et al. (Genet Med. 2020). Collection method: curation. Allele origin: germline.
Comment: Missense variant in a coldspot region where missense variants are very unlikely to be pathogenic (PMID:31911673).

BRCA2 exon 10 coldspot. Reclassification based on statistical prior probability.

Neuberg Centre For Genomic Medicine, NCGM
Classification: Uncertain significance for Breast-ovarian cancer, familial, susceptibility to, 2. Last evaluated: 2023-03-01. Review status: criteria provided, single submitter. Criteria: ACMG Guidelines, 2015. Collection method: clinical testing. Allele origin: germline. Inheritance: Autosomal dominant inheritance. Affected: yes.
Comment: The missense c.1002T>G(p.His334Gln) variant in BRCA2 gene has not been reported previously as a pathogenic variant nor a benign variant, to our knowledge. The p.His334Gln variant has been reported with allele frequency of 0.001% in gnomAD Exomes and is novel (not in any individuals) in 1000 Genomes. This variant has been reported to the ClinVar database as Uncertain Significance (multiple submissions). The amino acid change p.His334Gln in BRCA2 is predicted as conserved by GERP++ and PhyloP across 100 vertebrates. The amino acid His at position 334 is changed to a Gln changing protein sequence and it might alter its composition and physico-chemical properties. For these reasons, this variant has been classified as a Variant of Uncertain Significance (VUS).

Quest Diagnostics Nichols Institute San Juan Capistrano
Classification: Uncertain significance for Breast-ovarian cancer, familial, susceptibility to, 2. Last evaluated: 2016-05-26. Review status: criteria provided, single submitter. Criteria: Quest Diagnostics criteria. Collection method: clinical testing. Allele origin: germline. Inheritance: Autosomal dominant inheritance.

Literature cited by the submitters: PubMed 25085752 (cited by Myriad Genetics, Inc.); PubMed 26295337 (cited by Quest Diagnostics Nichols Institute San Juan Capistrano).

NM_000059.4(BRCA2):c.1002T>G (p.His334Gln)

Gene: BRCA2 (BRCA2 DNA repair associated; plus strand). Cytogenetic location: 13q13.1.
Variant type: single nucleotide variant.
Coding change: c.1002T>G on transcript NM_000059.4 (MANE Select); coding-DNA position 1002, T replaced by G.
Protein change: p.His334Gln; replaces histidine 334 with glutamine.
Molecular consequence: missense variant.
Genome position (GRCh38, 1-based): chr13:32,332,480, T>G. VCF-style: chr13-32332480-T-G. GRCh37 (hg19) VCF-style: chr13-32906617-T-G.
Other names: short protein forms H334Q.
Identifiers: ClinVar variation 252405 (VCV000252405.30), dbSNP rs544942885, ClinGen allele CA6940482.